The following is an entry in ClinVar:

NM_001127221.2(CACNA1A):c.5546A>T (p.Tyr1849Phe)

Gene: CACNA1A (calcium voltage-gated channel subunit alpha1 A; minus strand). Cytogenetic location: 19p13.13.
Variant type: single nucleotide variant.
Coding change: c.5546A>T on transcript NM_001127221.2 (MANE Plus Clinical); coding-DNA position 5546, A replaced by T.
Protein change: p.Tyr1849Phe; replaces tyrosine 1849 with phenylalanine.
Molecular consequence: missense variant. On other transcripts: intron variant (4).
Genome position (GRCh38, 1-based): chr19:13,228,781, T>A on the plus strand (A>T on the coding strand, the complement: CACNA1A is on the minus strand). VCF-style: chr19-13228781-T-A. GRCh37 (hg19) VCF-style: chr19-13339595-T-A.
Other names: c.5529-1254A>T (NM_001127222.2); c.5538-1254A>T (NM_001174080.2); c.5547-1254A>T (NM_000068.4, NM_023035.3); short protein forms Y1849F.
Identifiers: ClinVar variation 1001266 (VCV001001266.10), dbSNP rs1568440462, ClinGen allele CA404331880.

ClinVar aggregate classification (germline): Uncertain significance. Review status: criteria provided, multiple submitters, no conflicts (2 of 4 stars). 2 submissions from 2 submitters: Uncertain significance (2). Last evaluated 2024-10-25.

Conditions:
Developmental and epileptic encephalopathy, 42 (DEE42A). Also called: DEVELOPMENTAL AND EPILEPTIC ENCEPHALOPATHY 42A; EPILEPTIC ENCEPHALOPATHY, EARLY INFANTILE, 42A; Epileptic encephalopathy, early infantile, 42. Identifiers: MedGen C4310716, MONDO:0014917, OMIM 617106.
Episodic ataxia type 2 (EA2). Also called: CEREBELLAR ATAXIA, PAROXYSMAL, ACETAZOLAMIDE-RESPONSIVE; CEREBELLOPATHY, HEREDITARY PAROXYSMAL; EPISODIC ATAXIA, NYSTAGMUS-ASSOCIATED; ATAXIA, EPISODIC, WITH NYSTAGMUS; ATAXIA, FAMILIAL PAROXYSMAL; ACETAZOLAMIDE-RESPONSIVE HEREDITARY PAROXYSMAL CEREBELLAR ATAXIA. Identifiers: Orphanet 97, MedGen C1720416, MONDO:0007163, OMIM 108500.

Submissions (2):

Blueprint Genetics
Classification: Uncertain significance. Last evaluated: 2024-10-25. Review status: criteria provided, single submitter. Criteria: ACMG Guidelines, 2015. Collection method: clinical testing. Allele origin: germline.

Labcorp Genetics (formerly Invitae), Labcorp
Classification: Uncertain significance for Developmental and epileptic encephalopathy, 42; Episodic ataxia type 2. Last evaluated: 2020-03-04. Review status: criteria provided, single submitter. Criteria: Invitae Variant Classification Sherloc (09022015). Collection method: clinical testing. Allele origin: germline.
Comment: This sequence change replaces tyrosine with phenylalanine at codon 1849 of the CACNA1A protein (p.Tyr1849Phe). The tyrosine residue is highly conserved and there is a small physicochemical difference between tyrosine and phenylalanine. This variant is not present in population databases (ExAC no frequency). This variant has not been reported in the literature in individuals with CACNA1A-related conditions. Algorithms developed to predict the effect of missense changes on protein structure and function are either unavailable or do not agree on the potential impact of this missense change (SIFT: "Deleterious"; PolyPhen-2: "Benign"; Align-GVGD: "Class C0"). In summary, the available evidence is currently insufficient to determine the role of this variant in disease. Therefore, it has been classified as a Variant of Uncertain Significance.